The following is an entry in ClinVar:

GRCh38/hg38 4q35.1-35.2(chr4:185351249-189867552)x1

Genes: ANKRD37 (ankyrin repeat domain 37; plus strand), CCDC110 (coiled-coil domain containing 110; minus strand), CCDC110-AS1 (CCDC110 antisense RNA 1; plus strand), CFAP96 (cilia and flagella associated protein 96; plus strand), CYP4V2 (cytochrome P450 family 4 subfamily V member 2; plus strand) and 90 more. Cytogenetic location: 4q35.1-35.2.
Variant type: copy number loss.
Change: copy number 1 (one copy instead of two) of chr4:185,351,249-189,867,552 (4.52 Mb, GRCh38 coordinates, 1-based), cytogenetic band 4q35.1-35.2.
Identifiers: ClinVar variation 59551 (VCV000059551.3).

ClinVar aggregate classification (germline): Pathogenic (1 of 4 stars; one submission).

Submission:

ISCA Site 6
Classification: Pathogenic. Last evaluated: 2011-08-12. Review status: criteria provided, single submitter. Criteria: Kaminsky et al. (Genet Med. 2011). Collection method: clinical testing. Allele origin: unknown. Affected: yes. Observed: 1 variant allele.
Comment: Copy number variation identified through the course of routine clinical cytogenomic testing in postnatal populations. Clinical assertions have been curated as described in Kaminsky et al. 2011.